The following is an entry in ClinVar:

NM_020812.4(DOCK6):c.5977G>C (p.Gly1993Arg)

Gene: DOCK6 (dedicator of cytokinesis 6; minus strand). Cytogenetic location: 19p13.2.
Variant type: single nucleotide variant.
Coding change: c.5977G>C on transcript NM_020812.4 (MANE Select); coding-DNA position 5977, G replaced by C.
Protein change: p.Gly1993Arg; replaces glycine 1993 with arginine.
Molecular consequence: missense variant.
Genome position (GRCh38, 1-based): chr19:11,200,432, C>G on the plus strand (G>C on the coding strand, the complement: DOCK6 is on the minus strand). VCF-style: chr19-11200432-C-G. GRCh37 (hg19) VCF-style: chr19-11311108-C-G.
Other names: c.6082G>C, p.Gly2028Arg (NM_001367830.1); short protein forms G2028R, G1993R.
Identifiers: ClinVar variation 1375070 (VCV001375070.8), dbSNP rs2147687737, ClinGen allele CA404069427.

ClinVar aggregate classification (germline): Uncertain significance (1 of 4 stars; one submission).

Submission:

Labcorp Genetics (formerly Invitae), Labcorp
Classification: Uncertain significance. Last evaluated: 2023-11-27. Review status: criteria provided, single submitter. Criteria: Invitae Variant Classification Sherloc (09022015). Collection method: clinical testing. Allele origin: germline.
Comment: This sequence change replaces glycine, which is neutral and non-polar, with arginine, which is basic and polar, at codon 1993 of the DOCK6 protein (p.Gly1993Arg). This variant is not present in population databases (gnomAD no frequency). This variant has not been reported in the literature in individuals affected with DOCK6-related conditions. ClinVar contains an entry for this variant (Variation ID: 1375070). Advanced modeling of protein sequence and biophysical properties (such as structural, functional, and spatial information, amino acid conservation, physicochemical variation, residue mobility, and thermodynamic stability) performed at Invitae indicates that this missense variant is not expected to disrupt DOCK6 protein function with a negative predictive value of 80%. In summary, the available evidence is currently insufficient to determine the role of this variant in disease. Therefore, it has been classified as a Variant of Uncertain Significance.